The following is an entry in ClinVar:

NM_004629.2(FANCG):c.1174T>C (p.Cys392Arg)

Gene: FANCG (FA complementation group G; minus strand). Cytogenetic location: 9p13.3.
Variant type: single nucleotide variant.
Coding change: c.1174T>C on transcript NM_004629.2 (MANE Select); coding-DNA position 1174, T replaced by C.
Protein change: p.Cys392Arg; replaces cysteine 392 with arginine.
Molecular consequence: missense variant.
Genome position (GRCh38, 1-based): chr9:35,075,724, A>G on the plus strand (T>C on the coding strand, the complement: FANCG is on the minus strand). VCF-style: chr9-35075724-A-G. GRCh37 (hg19) VCF-style: chr9-35075721-A-G.
Other names: short protein forms C392R.
Identifiers: ClinVar variation 4254501 (VCV004254501.1).

ClinVar aggregate classification (germline): Uncertain significance (1 of 4 stars; one submission).

Conditions:
Inborn genetic diseases. Identifiers: MedGen C0950123, MeSH D030342.

Submission:

Ambry Genetics
Classification: Uncertain significance for Inborn genetic diseases. Last evaluated: 2025-09-07. Review status: criteria provided, single submitter. Criteria: Ambry Variant Classification Scheme 2023. Collection method: clinical testing. Allele origin: germline.
Comment: The p.C392R variant (also known as c.1174T>C), located in coding exon 10 of the FANCG gene, results from a T to C substitution at nucleotide position 1174. The cysteine at codon 392 is replaced by arginine, an amino acid with highly dissimilar properties. This amino acid position is conserved. In addition, this alteration is predicted to be tolerated by in silico analysis. Based on the available evidence, the clinical significance of this variant remains unclear.